The following is an entry in ClinVar:

ClinVar aggregate classification (germline): Uncertain significance (1 of 4 stars; one submission).

Conditions:
Hereditary cancer-predisposing syndrome. Also called: Hereditary Cancer Syndrome; Hereditary neoplastic syndrome; Neoplastic Syndromes, Hereditary; Tumor predisposition. Identifiers: Orphanet 140162, MedGen C0027672, MeSH D009386, MONDO:0015356.

Submission:

Ambry Genetics
Classification: Uncertain significance for Hereditary cancer-predisposing syndrome. Last evaluated: 2025-08-06. Review status: criteria provided, single submitter. Criteria: Ambry Variant Classification Scheme 2023. Collection method: clinical testing. Allele origin: germline.
Comment: The c.1723-2dupA intronic variant, results from a duplication of a single nucleotide at position 1723-2 within intron 14 of the EGFR gene. This nucleotide position is highly conserved in available vertebrate species. In silico splice site analysis predicts that this alteration may result in the creation or strengthening of a novel splice acceptor site. Based on the available evidence, the clinical significance of this variant remains unclear.

NM_005228.5(EGFR):c.1723-2dup

Gene: EGFR (epidermal growth factor receptor; plus strand). Cytogenetic location: 7p11.2.
Variant type: Duplication.
Coding change: c.1723-2dup on transcript NM_005228.5 (MANE Select); the canonical splice acceptor site of the intron before coding-DNA position 1723, one base duplicated (A; older notation c.1723-2dupA).
Molecular consequence: splice acceptor variant.
Genome position (GRCh38, 1-based): chr7:55,165,278, A duplicated. VCF-style (leftmost placement, unchanged base first): chr7-55165277-C-CA. GRCh37 (hg19) VCF-style: chr7-55232970-C-CA.
Other names: c.1588-2dup (NM_001346899.2, NM_001346897.2); c.922-2dup (NM_001346941.2); c.1723-2dup (NM_001346898.2, NM_201284.2, NM_201282.2); c.1564-2dup (NM_001346900.2).
Identifiers: ClinVar variation 4247335 (VCV004247335.1).